The following is an entry in ClinVar:

NM_005589.4(ALDH6A1):c.208C>T (p.Arg70Trp)

Genes: ALDH6A1 (aldehyde dehydrogenase 6 family member A1; minus strand), BBOF1 (basal body orientation factor 1; plus strand). Cytogenetic location: 14q24.3.
Variant type: single nucleotide variant.
Coding change: c.208C>T on transcript NM_005589.4 (MANE Select); coding-DNA position 208, C replaced by T.
Protein change: p.Arg70Trp; replaces arginine 70 with tryptophan.
Molecular consequence: missense variant. On other transcripts: 5 prime UTR variant (1).
Genome position (GRCh38, 1-based): chr14:74,072,343, G>A on the plus strand (C>T on the coding strand, the complement: ALDH6A1 is on the minus strand). VCF-style: chr14-74072343-G-A. GRCh37 (hg19) VCF-style: chr14-74539046-G-A.
Other names: c.208C>T, p.Arg70Trp (NM_001278593.2); c.-418C>T (NM_001278594.2); short protein forms R70W.
Identifiers: ClinVar variation 546744 (VCV000546744.47), dbSNP rs765634338, ClinGen allele CA7265903.

ClinVar aggregate classification (germline): Uncertain significance. Review status: criteria provided, multiple submitters, no conflicts (2 of 4 stars). 2 submissions from 2 submitters: Uncertain significance (2). Last evaluated 2023-06-19.

Allele frequency attached by ClinVar (database versions not stated): gnomAD exomes below 0.00001 and 0.00001; ExAC 0.00002.
gnomAD v4.1: 9 of 1,614,102 alleles (0.00056%); highest among the groups gnomAD compares: Admixed American, 0.0033%; no homozygotes.

Submissions (2):

Labcorp Genetics (formerly Invitae), Labcorp
Classification: Uncertain significance. Last evaluated: 2023-06-19. Review status: criteria provided, single submitter. Criteria: Invitae Variant Classification Sherloc (09022015). Collection method: clinical testing. Allele origin: germline.
Comment: In summary, the available evidence is currently insufficient to determine the role of this variant in disease. Therefore, it has been classified as a Variant of Uncertain Significance. Advanced modeling of protein sequence and biophysical properties (such as structural, functional, and spatial information, amino acid conservation, physicochemical variation, residue mobility, and thermodynamic stability) performed at Invitae indicates that this missense variant is not expected to disrupt ALDH6A1 protein function. ClinVar contains an entry for this variant (Variation ID: 546744). This variant has not been reported in the literature in individuals affected with ALDH6A1-related conditions. This variant is present in population databases (rs765634338, gnomAD 0.003%). This sequence change replaces arginine, which is basic and polar, with tryptophan, which is neutral and slightly polar, at codon 70 of the ALDH6A1 protein (p.Arg70Trp).

CeGaT Center for Human Genetics Tuebingen
Classification: Uncertain significance. Last evaluated: 2018-03-01. Review status: criteria provided, single submitter. Criteria: CeGaT Center For Human Genetics Tuebingen Variant Classification Criteria Version 2. Collection method: clinical testing. Allele origin: germline. Affected: yes. Observed: 1 variant allele.